The following is an entry in ClinVar:

NM_005591.4(MRE11):c.153+9G>A

Gene: MRE11 (MRE11 double strand break repair nuclease; minus strand). Cytogenetic location: 11q21.
Variant type: single nucleotide variant.
Coding change: c.153+9G>A on transcript NM_005591.4 (MANE Select); 9 bases into the intron after coding-DNA position 153, G replaced by A.
Molecular consequence: intron variant.
Genome position (GRCh38, 1-based): chr11:94,490,824, C>T on the plus strand (G>A on the coding strand, the complement: MRE11 is on the minus strand). VCF-style: chr11-94490824-C-T. GRCh37 (hg19) VCF-style: chr11-94223990-C-T.
Other names: c.153+9G>A (NM_001330347.2, NM_005590.4).
Identifiers: ClinVar variation 2719849 (VCV002719849.3), dbSNP rs1947263813, ClinGen allele CA1992457348.

ClinVar aggregate classification (germline): Uncertain significance (1 of 4 stars; one submission).

Conditions:
Ataxia-telangiectasia-like disorder (ATLD). Identifiers: MedGen C1858391, MONDO:0011457.

Allele frequency attached by ClinVar (database versions not stated): TOPMed below 0.00001.

Submission:

Labcorp Genetics (formerly Invitae), Labcorp
Classification: Uncertain significance for Ataxia-telangiectasia-like disorder. Last evaluated: 2023-10-09. Review status: criteria provided, single submitter. Criteria: Invitae Variant Classification Sherloc (09022015). Collection method: clinical testing. Allele origin: germline.
Comment: This sequence change falls in intron 3 of the MRE11 gene. It does not directly change the encoded amino acid sequence of the MRE11 protein. This variant is not present in population databases (gnomAD no frequency). This variant has not been reported in the literature in individuals affected with MRE11-related conditions. Algorithms developed to predict the effect of sequence changes on RNA splicing suggest that this variant may disrupt the consensus splice site. In summary, the available evidence is currently insufficient to determine the role of this variant in disease. Therefore, it has been classified as a Variant of Uncertain Significance.